The following is an entry in ClinVar:

ClinVar aggregate classification (germline): Pathogenic/Likely pathogenic. Review status: criteria provided, multiple submitters, no conflicts (2 of 4 stars). 6 submissions from 6 submitters: Pathogenic (4); Likely pathogenic (1). 1 of the submissions does not count toward it. Last evaluated 2025-03-04.
ClinVar aggregate classification (somatic clinical impact): Tier I - Strong (1 of 4 stars; one submission).

Conditions:
Cardiovascular phenotype. Identifiers: MedGen CN230736.
Hereditary cancer-predisposing syndrome. Also called: Neoplastic Syndromes, Hereditary; Hereditary Cancer Syndrome; Tumor predisposition; Hereditary neoplastic syndrome. Identifiers: Orphanet 140162, MedGen C0027672, MeSH D009386, MONDO:0015356.
Neurofibromatosis, type 1 (NF1). Also called: VON RECKLINGHAUSEN DISEASE; NEUROFIBROMATOSIS, TYPE I, SOMATIC; Peripheral type neurofibromatosis; Neurofibromatosis, type I. Identifiers: Orphanet 636, MedGen C0027831, MONDO:0018975, OMIM 162200. Disease mechanism: loss of function.
Embryonal rhabdomyosarcoma (ERMS). Also called: Botryoid rhabdomyosarcoma (type of ERMS); Spindle cell rhabdomyosarcomas (type of ERMS). Identifiers: Orphanet 99757, MedGen C0206656, MONDO:0009993, HP:0006743.

Submissions (7):

Institute for Genomic Medicine (IGM) Clinical Laboratory, Nationwide Children's Hospital
Classification: Tier I - Strong for Embryonal rhabdomyosarcoma. Assertion type: diagnostic. Clinical significance: supports diagnosis. Last evaluated: 2025-05-19. Review status: criteria provided, single submitter. Criteria: AMP/ASCO/CAP Guidelines, 2017. Collection method: clinical testing. Allele origin: somatic. Affected: yes.
Comment: Variant has Tier I (strong) clinical significance as a diagnostic inclusion criterion in embryonal rhabdomyosarcoma, based on the following evidence: 1) Documented in one or more cancer databases (e.g., St. Jude Pecan, COSMIC, CIViC, OncoKB). 2) Information in the literature supports potential biologic effect of variant (PMIDs: 1568247, 16513807, 32697994, 9668168, 9219684, 9302992). 3) Diagnostic for a specific tumor type/classification based on well-powered studies with expert-level consensus (Evidence Level B; PMIDs: 34166060, 24436047, 26138366).

Center for Genomic Medicine, Rigshospitalet, Copenhagen University Hospital
Classification: Pathogenic. Last evaluated: 2025-03-04. Review status: criteria provided, single submitter. Criteria: ACMG Guidelines, 2015. Collection method: clinical testing. Allele origin: germline.

Labcorp Genetics (formerly Invitae), Labcorp
Classification: Pathogenic for Neurofibromatosis, type 1. Last evaluated: 2024-05-07. Review status: criteria provided, single submitter. Criteria: Invitae Variant Classification Sherloc (09022015). Collection method: clinical testing. Allele origin: germline.
Comment: This sequence change replaces arginine, which is basic and polar, with proline, which is neutral and non-polar, at codon 1276 of the NF1 protein (p.Arg1276Pro). This variant is not present in population databases (gnomAD no frequency). This missense change has been observed in individual(s) with neurofibromatosis type 1 (PMID: 9668168). It has also been observed to segregate with disease in related individuals. ClinVar contains an entry for this variant (Variation ID: 353). Advanced modeling of protein sequence and biophysical properties (such as structural, functional, and spatial information, amino acid conservation, physicochemical variation, residue mobility, and thermodynamic stability) performed at Invitae indicates that this missense variant is expected to disrupt NF1 protein function with a positive predictive value of 95%. Experimental studies have shown that this missense change affects NF1 function (PMID: 9668168, 16513807, 26635368). This variant disrupts the p.Arg1276 amino acid residue in NF1. Other variant(s) that disrupt this residue have been determined to be pathogenic (PMID: 9302992, 10712197, 15060124, 16479075, 19221814, 22807134, 23668869, 27322474). This suggests that this residue is clinically significant, and that variants that disrupt this residue are likely to be disease-causing. For these reasons, this variant has been classified as Pathogenic.

Ambry Genetics
Classification: Likely pathogenic for Cardiovascular phenotype; Hereditary cancer-predisposing syndrome. Last evaluated: 2022-07-11. Review status: criteria provided, single submitter. Criteria: Ambry Variant Classification Scheme 2023. Collection method: clinical testing. Allele origin: germline.
Comment: The p.R1276P variant (also known as c.3827G>C), located in coding exon 28 of the NF1 gene, results from a G to C substitution at nucleotide position 3827. The arginine at codon 1276 is replaced by proline, an amino acid with dissimilar properties. This alteration has been identified in multiple individuals diagnosed with neurofibromatosis type 1 (Klose A et al. Hum Mol Genet, 1998 Aug;7:1261-8; Fahsold R et al. Am J Hum Genet, 2000 Mar;66:790-818; Koczkowska M et al. Hum Mutat, 2020 01;41:299-315). This amino acid position is highly conserved in available vertebrate species. In addition, this alteration is predicted to be deleterious by in silico analysis. This variant is considered to be rare based on population cohorts in the Genome Aggregation Database (gnomAD). Based on the majority of available evidence to date, this variant is likely to be pathogenic.

Genome-Nilou Lab
Classification: Pathogenic for Neurofibromatosis, type 1. Last evaluated: 2022-03-15. Review status: criteria provided, single submitter. Criteria: ACMG Guidelines, 2015. Collection method: clinical testing. Allele origin: germline. Affected: no.

Center for Human Genetics, Inc
Classification: Pathogenic for Neurofibromatosis, type 1. Last evaluated: 2016-11-01. Review status: criteria provided, single submitter. Criteria: ACMG Guidelines, 2015. Collection method: clinical testing. Allele origin: germline. Affected: yes.

OMIM
Classification: Pathogenic for NEUROFIBROMATOSIS, TYPE I. Last evaluated: 1998-08-01. Review status: no assertion criteria provided. Collection method: literature only. Allele origin: germline. Not counted in ClinVar's aggregate classification.

Literature cited by the submitters: PubMed 1568247 (cited by Institute for Genomic Medicine (IGM) Clinical Laboratory, Nationwide Children's Hospital); PubMed 16513807 (cited by Institute for Genomic Medicine (IGM) Clinical Laboratory, Nationwide Children's Hospital and Labcorp Genetics (formerly Invitae), Labcorp); PubMed 32697994 (cited by Institute for Genomic Medicine (IGM) Clinical Laboratory, Nationwide Children's Hospital); PubMed 9668168 (cited by 3 submitters); PubMed 9219684 (cited by Institute for Genomic Medicine (IGM) Clinical Laboratory, Nationwide Children's Hospital); PubMed 9302992 (cited by Institute for Genomic Medicine (IGM) Clinical Laboratory, Nationwide Children's Hospital and Labcorp Genetics (formerly Invitae), Labcorp); PubMed 34166060 (cited by Institute for Genomic Medicine (IGM) Clinical Laboratory, Nationwide Children's Hospital); PubMed 24436047 (cited by Institute for Genomic Medicine (IGM) Clinical Laboratory, Nationwide Children's Hospital); PubMed 26138366 (cited by Institute for Genomic Medicine (IGM) Clinical Laboratory, Nationwide Children's Hospital); PubMed 26635368 (cited by Labcorp Genetics (formerly Invitae), Labcorp); PubMed 10712197 (cited by Labcorp Genetics (formerly Invitae), Labcorp); PubMed 15060124 (cited by Labcorp Genetics (formerly Invitae), Labcorp); PubMed 16479075 (cited by Labcorp Genetics (formerly Invitae), Labcorp); PubMed 19221814 (cited by Labcorp Genetics (formerly Invitae), Labcorp); PubMed 22807134 (cited by Labcorp Genetics (formerly Invitae), Labcorp); PubMed 23668869 (cited by Labcorp Genetics (formerly Invitae), Labcorp); PubMed 27322474 (cited by Labcorp Genetics (formerly Invitae), Labcorp).

NM_001042492.3(NF1):c.3827G>C (p.Arg1276Pro)

Gene: NF1 (neurofibromin 1; plus strand). Cytogenetic location: 17q11.2.
Variant type: single nucleotide variant.
Coding change: c.3827G>C on transcript NM_001042492.3 (MANE Select); coding-DNA position 3827, G replaced by C.
Protein change: p.Arg1276Pro; replaces arginine 1276 with proline.
Molecular consequence: missense variant.
Genome position (GRCh38, 1-based): chr17:31,235,729, G>C. VCF-style: chr17-31235729-G-C. GRCh37 (hg19) VCF-style: chr17-29562747-G-C.
Other names: c.3827G>C, p.Arg1276Pro (NM_000267.4); short protein forms R1276P.
Identifiers: ClinVar variation 353 (VCV000000353.18), dbSNP rs137854556, ClinGen allele CA251463.